The following is an entry in ClinVar:

NM_001206999.2(CIT):c.94C>A (p.Gln32Lys)

Gene: CIT (citron rho-interacting serine/threonine kinase; minus strand). Cytogenetic location: 12q24.23.
Variant type: single nucleotide variant.
Coding change: c.94C>A on transcript NM_001206999.2 (MANE Select); coding-DNA position 94, C replaced by A.
Protein change: p.Gln32Lys; replaces glutamine 32 with lysine.
Molecular consequence: missense variant.
Genome position (GRCh38, 1-based): chr12:119,876,075, G>T on the plus strand (C>A on the coding strand, the complement: CIT is on the minus strand). VCF-style: chr12-119876075-G-T. GRCh37 (hg19) VCF-style: chr12-120313879-G-T.
Other names: c.94C>A, p.Gln32Lys (NM_007174.3); short protein forms Q32K.
Identifiers: ClinVar variation 1254298 (VCV001254298.11), dbSNP rs144883583, ClinGen allele CA6822528.
Genomic context (GRCh38, chr12:119,876,075, plus strand): 5'-GACAAGGAGATTCCAAGGACACACACAGGTGAGCAAAGTTGGCAGGGTAGGCTGTTACCT[G>T]GAAGAACAGATTCAGCCTGGAGGCCCGGCTGGCAATGGGTTCAGCAGCACCAGCATCCAA-3'
Protein context (NP_001193928.1, residues 22-42): SRASRLNLFF[Gln32Lys]GKPPFMTQQQ

ClinVar aggregate classification (germline): Conflicting classifications of pathogenicity. Review status: criteria provided, conflicting classifications (1 of 4 stars). 4 submissions from 4 submitters: Uncertain significance (3); Likely benign (1). Last evaluated 2025-07-15.

Conditions:
Inborn genetic diseases. Identifiers: MedGen C0950123, MeSH D030342.

Allele frequency attached by ClinVar (database versions not stated): gnomAD exomes 0.00004 and 0.00011; ExAC 0.00018; 1000 Genomes Project 30x 0.00031; gnomAD 0.00035 and 0.00039; TOPMed 0.00036; ESP Exome Variant Server 0.00092.
gnomAD v4.1: 115 of 1,610,988 alleles (0.0071%); highest among the groups gnomAD compares: African/African-American, 0.14%; no homozygotes.

Submissions (4):

Labcorp Genetics (formerly Invitae), Labcorp
Classification: Uncertain significance. Last evaluated: 2025-07-15. Review status: criteria provided, single submitter. Criteria: Invitae Variant Classification Sherloc (09022015). Collection method: clinical testing. Allele origin: germline.
Comment: This sequence change replaces glutamine, which is neutral and polar, with lysine, which is basic and polar, at codon 32 of the CIT protein (p.Gln32Lys). This variant is present in population databases (rs144883583, gnomAD 0.1%). This variant has not been reported in the literature in individuals affected with CIT-related conditions. ClinVar contains an entry for this variant (Variation ID: 1254298). An algorithm developed to predict the effect of missense changes on protein structure and function (PolyPhen-2) suggests that this variant is likely to be disruptive. In summary, the available evidence is currently insufficient to determine the role of this variant in disease. Therefore, it has been classified as a Variant of Uncertain Significance.

Women's Health and Genetics/Laboratory Corporation of America, LabCorp
Classification: Uncertain significance. Last evaluated: 2025-07-02. Review status: criteria provided, single submitter. Criteria: LabCorp Variant Classification Summary - May 2015. Collection method: clinical testing. Allele origin: germline.
Comment: Variant summary: CIT c.94C>A (p.Gln32Lys) results in a conservative amino acid change in the encoded protein sequence. Algorithms developed to predict the effect of missense changes on protein structure and function are either unavailable or do not agree on the potential impact of this missense change. Consensus agreement among computation tools predict no significant impact on normal splicing. However, these predictions have yet to be confirmed by functional studies. The variant allele was found at a frequency of 0.00011 in 250812 control chromosomes, predominantly at a frequency of 0.0017 within the African or African-American subpopulation in the gnomAD database. This frequency is not significantly higher than estimated for a pathogenic variant in CIT causing Microcephaly 17, Primary, Autosomal Recessive, allowing no conclusion about variant significance. To our knowledge, no occurrence of c.94C>A in individuals affected with Microcephaly 17, Primary, Autosomal Recessive and no experimental evidence demonstrating its impact on protein function have been reported. ClinVar contains an entry for this variant (Variation ID: 1254298). Based on the evidence outlined above, the variant was classified as uncertain significance.

Ambry Genetics
Classification: Likely benign for Inborn genetic diseases. Last evaluated: 2025-06-23. Review status: criteria provided, single submitter. Criteria: Ambry Variant Classification Scheme 2023. Collection method: clinical testing. Allele origin: germline.

GeneDx
Classification: Uncertain significance. Last evaluated: 2025-02-07. Review status: criteria provided, single submitter. Criteria: GeneDx Variant Classification Process June 2021. Collection method: clinical testing. Allele origin: germline. Affected: yes.
Comment: In silico analysis indicates that this missense variant does not alter protein structure/function; Has not been previously published as pathogenic or benign to our knowledge